The following is an entry in ClinVar:

ClinVar aggregate classification (germline): Conflicting classifications of pathogenicity. Review status: criteria provided, conflicting classifications (1 of 4 stars). 14 submissions from 10 submitters: Uncertain significance (10); Benign (1); Likely benign (3). Last evaluated 2026-08-13.

Conditions:
Cardiovascular phenotype. Identifiers: MedGen CN230736.
Early-onset myopathy with fatal cardiomyopathy (CMYO5). Also called: Salih Myopathy; CONGENITAL MYOPATHY 5 WITH CARDIOMYOPATHY. Identifiers: Orphanet 289377, MedGen C2673677, MONDO:0012714, OMIM 611705. Disease mechanism: loss of function.
Myopathy, myofibrillar, 9, with early respiratory failure (MFM9). Also called: Hereditary myopathy with early respiratory failure; MYOPATHY, PROXIMAL, WITH EARLY RESPIRATORY MUSCLE INVOLVEMENT; Myopathy, distal, with early respiratory failure, autosomal dominant; EDSTROM MYOPATHY. Identifiers: Orphanet 178464, Orphanet 34521, MedGen C1863599, MONDO:0011362, OMIM 603689.
Autosomal recessive limb-girdle muscular dystrophy type 2J (LGMDR10). Also called: Limb-girdle muscular dystrophy, type 2J; MUSCULAR DYSTROPHY, LIMB-GIRDLE, AUTOSOMAL RECESSIVE 10. Identifiers: Orphanet 140922, MedGen C1837342, MONDO:0012127, OMIM 608807.
TTN-related disorder. Also called: TTN-related disorders; TTN-related condition; TTN-related disease.
Tibial muscular dystrophy (TMD). Also called: UDD MYOPATHY; Tibial muscular dystrophy, tardive; Udd Distal Myopathy – Tibial Muscular Dystrophy. Identifiers: Orphanet 609, MedGen C1838244, MONDO:0010870, OMIM 600334.
Dilated cardiomyopathy 1G (CMD1G). Identifiers: Orphanet 154, MedGen C1858763, MONDO:0011400, OMIM 604145.

Allele frequency attached by ClinVar (database versions not stated): ExAC 0.00005; gnomAD exomes 0.00007 and 0.00010; gnomAD 0.00016 and 0.00017; ESP Exome Variant Server 0.00017; TOPMed 0.00018.
gnomAD v4.1: 176 of 1,612,010 alleles (0.011%); highest among the groups gnomAD compares: Admixed American, 0.013%; no homozygotes.

Submissions (14):

PreventionGenetics, part of Exact Sciences
Classification: Uncertain significance for TTN-related condition. Last evaluated: 2026-08-13. Review status: criteria provided, single submitter. Criteria: ACMG Guidelines, 2015. Collection method: clinical testing. Allele origin: germline.
Comment: The TTN c.51683C>T variant is predicted to result in the amino acid substitution p.Ala17228Val. To our knowledge, this variant has not been reported in the literature. This variant is reported in 0.013% of alleles in individuals of European (Non-Finnish) descent in gnomAD. Although we suspect that this variant may be benign, at this time, the clinical significance of this variant is uncertain due to the absence of conclusive functional and genetic evidence.

CeGaT Center for Human Genetics Tuebingen
Classification: Uncertain significance. Last evaluated: 2025-09-01. Review status: criteria provided, single submitter. Criteria: CeGaT Center For Human Genetics Tuebingen Variant Classification Criteria Version 2. Collection method: clinical testing. Allele origin: germline. Affected: yes. Observed: 5 variant alleles.
Comment: TTN: PM2

Athena Diagnostics
Classification: Uncertain significance. Last evaluated: 2025-01-07. Review status: criteria provided, single submitter. Criteria: Athena Diagnostics Criteria. Collection method: clinical testing. Allele origin: unknown.
Comment: Available data are insufficient to determine the clinical significance of the variant at this time. The frequency of this variant in the general population is uninformative in assessment of its pathogenicity. Polyphen and MutationTaster yielded discordant predictions regarding whether this amino acid change is damaging to the protein.

Blueprint Genetics
Classification: Likely benign. Last evaluated: 2024-07-02. Review status: criteria provided, single submitter. Criteria: ACMG Guidelines, 2015. Collection method: clinical testing. Allele origin: germline.

Revvity Omics, Revvity
Classification: Uncertain significance. Last evaluated: 2023-05-15. Review status: criteria provided, single submitter. Criteria: ACMG Guidelines, 2015. Collection method: clinical testing. Allele origin: germline.

GeneDx
Classification: Likely benign. Last evaluated: 2021-05-18. Review status: criteria provided, single submitter. Criteria: GeneDx Variant Classification Process June 2021. Collection method: clinical testing. Allele origin: germline. Affected: yes.

Women's Health and Genetics/Laboratory Corporation of America, LabCorp
Classification: Uncertain significance. Last evaluated: 2020-10-19. Review status: criteria provided, single submitter. Criteria: LabCorp Variant Classification Summary - May 2015. Collection method: clinical testing. Allele origin: germline.
Comment: Variant summary: TTN c.43979C>T (p.Ala14660Val) results in a non-conservative amino acid change located in the A-band region of the encoded protein sequence. Four of five in-silico tools predict a damaging effect of the variant on protein function. The variant allele was found at a frequency of 7.9e-05 in 279106 control chromosomes, predominantly at a frequency of 0.00013 within the Non-Finnish European subpopulation in the gnomAD database. This frequency is somewhat lower than the maximum expected for a pathogenic variant in TTN causing Dilated Cardiomyopathy (0.00039), allowing no clear conclusions about variant significance. To our knowledge, no occurrence of c.43979C>T in individuals affected with Dilated Cardiomyopathy and no experimental evidence demonstrating its impact on protein function have been reported. Three clinical diagnostic laboratories have submitted clinical-significance assessments for this variant to ClinVar after 2014 without evidence for independent evaluation. All laboratories classified the variant as uncertain significance. Based on the evidence outlined above, the variant was classified as VUS-possibly benign.

Ambry Genetics
Classification: Uncertain significance for Cardiovascular phenotype. Last evaluated: 2018-12-30. Review status: criteria provided, single submitter. Criteria: Ambry Variant Classification Scheme 2023. Collection method: clinical testing. Allele origin: germline.
Comment: The p.A8163V variant (also known as c.24488C>T), located in coding exon 99 of the TTN gene, results from a C to T substitution at nucleotide position 24488. The alanine at codon 8163 is replaced by valine, an amino acid with similar properties. This amino acid position is highly conserved in available vertebrate species. In addition, this alteration is predicted to be tolerated by in silico analysis. Since supporting evidence is limited at this time, the clinical significance of this alteration remains unclear.

Labcorp Genetics (formerly Invitae), Labcorp
Classification: Uncertain significance for Dilated cardiomyopathy 1G; Autosomal recessive limb-girdle muscular dystrophy type 2J. Last evaluated: 2018-12-28. Review status: criteria provided, single submitter. Criteria: Invitae Variant Classification Sherloc (09022015). Collection method: clinical testing. Allele origin: germline.
Comment: This sequence change replaces alanine with valine at codon 17228 of the TTN protein (p.Ala17228Val). There is a small physicochemical difference between alanine and valine. This variant is present in population databases (rs370644359, ExAC 0.02%). This variant has not been reported in the literature in individuals with TTN-related disease.¬†This variant is located in the A band of TTN (PMID: 25589632). Variants in this region may be relevant for cardiac or neuromuscular disorders (PMID: 25589632, 23975875).¬†ClinVar contains an entry for this variant (Variation ID: 467239). The valine amino acid residue is found in multiple mammalian species, suggesting that this missense change does not adversely affect protein function. These predictions have not been confirmed by published functional studies and their clinical significance is uncertain. Algorithms developed to predict the effect of missense changes on protein structure and function are unavailable for the TTN gene. Algorithms developed to predict the effect of sequence changes on RNA splicing suggest that this variant may create or strengthen a splice site, but this prediction has not been confirmed by published transcriptional studies. In summary, the available evidence is currently insufficient to determine the role of this variant in disease. Therefore, it has been classified as a Variant of Uncertain Significance.

Illumina Laboratory Services, Illumina
Classification: Likely benign for Myopathy, myofibrillar, 9, with early respiratory failure. Last evaluated: 2018-01-12. Review status: criteria provided, single submitter. Criteria: ICSL Variant Classification Criteria 13 December 2019. Collection method: clinical testing. Allele origin: germline.
Comment: This variant was observed in the ICSL laboratory as part of a predisposition screen in an ostensibly healthy population. It had not been previously curated by ICSL or reported in the Human Gene Mutation Database (HGMD: prior to June 1st, 2018), and was therefore a candidate for classification through an automated scoring system. Utilizing variant allele frequency, disease prevalence and penetrance estimates, and inheritance mode, an automated score was calculated to assess if this variant is too frequent to cause the disease. Based on the score and internal cut-off values, a variant classified as likely benign is not then subjected to further curation. The score for this variant resulted in a classification of likely benign for this disease.

Illumina Laboratory Services, Illumina
Classification: Uncertain significance for Dilated cardiomyopathy 1G. Last evaluated: 2018-01-12. Review status: criteria provided, single submitter. Criteria: ICSL Variant Classification Criteria 13 December 2019. Collection method: clinical testing. Allele origin: germline.

Illumina Laboratory Services, Illumina
Classification: Benign for Tibial muscular dystrophy. Last evaluated: 2018-01-12. Review status: criteria provided, single submitter. Criteria: ICSL Variant Classification Criteria 13 December 2019. Collection method: clinical testing. Allele origin: germline.
Comment: This variant was observed in the ICSL laboratory as part of a predisposition screen in an ostensibly healthy population. It had not been previously curated by ICSL or reported in the Human Gene Mutation Database (HGMD: prior to June 1st, 2018), and was therefore a candidate for classification through an automated scoring system. Utilizing variant allele frequency, disease prevalence and penetrance estimates, and inheritance mode, an automated score was calculated to assess if this variant is too frequent to cause the disease. Based on the score and internal cut-off values, a variant classified as benign is not then subjected to further curation. The score for this variant resulted in a classification of benign for this disease.

Illumina Laboratory Services, Illumina
Classification: Uncertain significance for Early-onset myopathy with fatal cardiomyopathy. Last evaluated: 2018-01-12. Review status: criteria provided, single submitter. Criteria: ICSL Variant Classification Criteria 13 December 2019. Collection method: clinical testing. Allele origin: germline.

Illumina Laboratory Services, Illumina
Classification: Uncertain significance for Autosomal recessive limb-girdle muscular dystrophy type 2J. Last evaluated: 2018-01-12. Review status: criteria provided, single submitter. Criteria: ICSL Variant Classification Criteria 13 December 2019. Collection method: clinical testing. Allele origin: germline.

Literature cited by the submitters: PubMed 38757491 (cited by Athena Diagnostics); PubMed 29420653 (cited by Athena Diagnostics); PubMed 25589632 (cited by Labcorp Genetics (formerly Invitae), Labcorp); PubMed 23975875 (cited by Labcorp Genetics (formerly Invitae), Labcorp).

NM_001267550.2(TTN):c.51683C>T (p.Ala17228Val)

Genes: TTN (titin; minus strand), TTN-AS1 (TTN antisense RNA 1; plus strand). Cytogenetic location: 2q31.2.
Variant type: single nucleotide variant.
Coding change: c.51683C>T on transcript NM_001267550.2 (MANE Select); coding-DNA position 51683, C replaced by T.
Protein change: p.Ala17228Val; replaces alanine 17228 with valine.
Molecular consequence: missense variant.
Genome position (GRCh38, 1-based): chr2:178,609,740, G>A on the plus strand (C>T on the coding strand, the complement: TTN is on the minus strand). VCF-style: chr2-178609740-G-A. GRCh37 (hg19) VCF-style: chr2-179474467-G-A.
Other names: c.46760C>T, p.Ala15587Val (NM_001256850.1); c.24488C>T, p.Ala8163Val (NM_003319.4); c.43979C>T, p.Ala14660Val (NM_133378.4); c.24863C>T, p.Ala8288Val (NM_133432.3); c.25064C>T, p.Ala8355Val (NM_133437.4); c.51683C>T (NM_001267550.1); short protein forms A17228V, A15587V, A8355V, A8288V, A8163V, A14660V.
Identifiers: ClinVar variation 467239 (VCV000467239.59), dbSNP rs370644359, ClinGen allele CA1994142.
Genomic context (GRCh38, chr2:178,609,740, plus strand): 5'-TTACCAATGGGATCTACAGCTTTGGTTGGAGGAGTAGCCCGAGAAGGTTCACTAATACCC[G>A]CGGCGTTCTCTGCTCGCACACGGAATTGGTACTCTTTCCCCTCTTCAAGTCCTTTTGCTG-3'
Protein context (NP_001254479.2, residues 17218-17238): YQFRVRAENA[Ala17228Val]GISEPSRATP